The following is an entry in ClinVar:

ClinVar aggregate classification (germline): Uncertain significance (1 of 4 stars; one submission).

Conditions:
Isolated microphthalmia 5. Also called: Posterior Microphthalmia with Retinitis Pigmentosa, Foveoschisis, and Optic Disc Drusen. Identifiers: Orphanet 251279, MedGen C1970236, MONDO:0012605, OMIM 611040.

Allele frequency attached by ClinVar (database versions not stated): gnomAD exomes below 0.00001 and 0.00001; ExAC 0.00001.
gnomAD v4.1: 6 of 1,612,858 alleles (0.00037%); highest among the groups gnomAD compares: Admixed American, 0.0033%; no homozygotes.

Submission:

Labcorp Genetics (formerly Invitae), Labcorp
Classification: Uncertain significance for Isolated microphthalmia 5. Last evaluated: 2023-11-06. Review status: criteria provided, single submitter. Criteria: Invitae Variant Classification Sherloc (09022015). Collection method: clinical testing. Allele origin: germline.
Comment: This sequence change replaces threonine, which is neutral and polar, with alanine, which is neutral and non-polar, at codon 314 of the MFRP protein (p.Thr314Ala). This variant is present in population databases (rs762504499, gnomAD 0.006%). This variant has not been reported in the literature in individuals affected with MFRP-related conditions. ClinVar contains an entry for this variant (Variation ID: 1347924). Advanced modeling of protein sequence and biophysical properties (such as structural, functional, and spatial information, amino acid conservation, physicochemical variation, residue mobility, and thermodynamic stability) performed at Invitae indicates that this missense variant is not expected to disrupt MFRP protein function with a negative predictive value of 80%. In summary, the available evidence is currently insufficient to determine the role of this variant in disease. Therefore, it has been classified as a Variant of Uncertain Significance.

NM_031433.4(MFRP):c.940A>G (p.Thr314Ala)

Genes: C1QTNF5 (C1q and TNF related 5; minus strand), MFRP (membrane frizzled-related protein; minus strand). Cytogenetic location: 11q23.3.
Variant type: single nucleotide variant.
Coding change: c.940A>G on transcript NM_031433.4 (MANE Select); coding-DNA position 940, A replaced by G.
Protein change: p.Thr314Ala; replaces threonine 314 with alanine.
Molecular consequence: missense variant. On other transcripts: 5 prime UTR variant (1).
Genome position (GRCh38, 1-based): chr11:119,344,350, T>C on the plus strand (A>G on the coding strand, the complement: MFRP is on the minus strand). VCF-style: chr11-119344350-T-C. GRCh37 (hg19) VCF-style: chr11-119215060-T-C.
Other names: c.-1697A>G (NM_015645.5); short protein forms T314A.
Identifiers: ClinVar variation 1347924 (VCV001347924.6), dbSNP rs762504499, ClinGen allele CA6320323.
Genomic context (GRCh38, chr11:119,344,350, plus strand): 5'-GTTCTGCATGGAGCACTGTGCTTACCAGTTGGTGAGGGTACTGCTGCAGGTAGCTGGGAG[T>C]AGAGAAAGTGCCCTGGAGGCCAGTCAGATTCCCCCCACACCCTGTAGAGAGGTGGAAGGG-3'
Protein context (NP_113621.1, residues 304-324): NLTGLQGTFS[Thr314Ala]PSYLQQYPHQ